The following is an entry in ClinVar:

NM_017491.5(WDR1):c.894C>T (p.Ser298=)

Gene: WDR1 (WD repeat domain 1; minus strand). Cytogenetic location: 4p16.1.
Variant type: single nucleotide variant.
Coding change: c.894C>T on transcript NM_017491.5 (MANE Select); coding-DNA position 894, C replaced by T.
Protein change: p.Ser298=; no amino-acid change (serine 298 retained).
Molecular consequence: synonymous variant.
Genome position (GRCh38, 1-based): chr4:10,087,764, G>A on the plus strand (C>T on the coding strand, the complement: WDR1 is on the minus strand). VCF-style: chr4-10087764-G-A. GRCh37 (hg19) VCF-style: chr4-10089388-G-A.
Other names: c.894C>T (NM_017491.3); c.474C>T, p.Ser158= (NM_005112.5).
Identifiers: ClinVar variation 1533193 (VCV001533193.11), dbSNP rs768545774, ClinGen allele CA2857869.

ClinVar aggregate classification (germline): Likely benign. Review status: criteria provided, multiple submitters, no conflicts (2 of 4 stars). 3 submissions from 3 submitters: Likely benign (2). 1 of the submissions does not count toward it. Last evaluated 2025-11-25.

Conditions:
WDR1-related disorder. Also called: WDR1-related condition.

Allele frequency attached by ClinVar (database versions not stated): gnomAD 0.00002 and 0.00003; TOPMed 0.00007.
gnomAD v4.1: 61 of 1,602,600 alleles (0.0038%); highest among the groups gnomAD compares: Middle Eastern, 0.017%; no homozygotes.

Submissions (3):

Labcorp Genetics (formerly Invitae), Labcorp
Classification: Likely benign. Last evaluated: 2025-11-25. Review status: criteria provided, single submitter. Criteria: Invitae Variant Classification Sherloc (09022015). Collection method: clinical testing. Allele origin: germline.

Blueprint Genetics
Classification: Likely benign. Last evaluated: 2022-01-31. Review status: criteria provided, single submitter. Criteria: ACMG Guidelines, 2015. Collection method: clinical testing. Allele origin: germline.

PreventionGenetics, part of Exact Sciences
Classification: Likely benign for WDR1-related condition. Last evaluated: 2023-08-15. Review status: no assertion criteria provided. Collection method: clinical testing. Allele origin: germline. Not counted in ClinVar's aggregate classification.
Comment: This variant is classified as likely benign based on ACMG/AMP sequence variant interpretation guidelines (Richards et al. 2015 PMID: 25741868, with internal and published modifications).